The following is an entry in ClinVar:

NM_016507.4(CDK12):c.739G>A (p.Asp247Asn)

Genes: CDK12 (cyclin dependent kinase 12; plus strand), LOC126862553 (CDK7 strongly-dependent group 2 enhancer GRCh37_chr17:37618166-37619365; plus strand). Cytogenetic location: 17q12.
Variant type: single nucleotide variant.
Coding change: c.739G>A on transcript NM_016507.4 (MANE Select); coding-DNA position 739, G replaced by A.
Protein change: p.Asp247Asn; replaces aspartic acid 247 with asparagine.
Molecular consequence: missense variant.
Genome position (GRCh38, 1-based): chr17:39,462,810, G>A. VCF-style: chr17-39462810-G-A. GRCh37 (hg19) VCF-style: chr17-37619063-G-A.
Other names: c.739G>A, p.Asp247Asn (NM_015083.4); short protein forms D247N.
Identifiers: ClinVar variation 3999539 (VCV003999539.1).
Genomic context (GRCh38, chr17:39,462,810, plus strand): 5'-TGGTCTGACAGCTCCAAACAAGATGATAGCCCCTCGGGAGCTTCTTATGGCCAAGATTAT[G>A]ACCTTAGTCCCTCACGATCTCATACCTCGAGCAATTATGACTCCTACAAGAAAAGTCCTG-3'
Protein context (NP_057591.2, residues 237-257): PSGASYGQDY[Asp247Asn]LSPSRSHTSS

ClinVar aggregate classification (germline): Uncertain significance (1 of 4 stars; one submission).

gnomAD v4.1: 9 of 1,614,164 alleles (0.00056%); highest among the groups gnomAD compares: Non-Finnish European, 0.00076%; no homozygotes.

Submission:

Ambry Genetics
Classification: Uncertain significance. Last evaluated: 2025-06-07. Review status: criteria provided, single submitter. Criteria: Ambry Variant Classification Scheme 2023. Collection method: clinical testing. Allele origin: germline.
Comment: The p.D247N variant (also known as c.739G>A), located in coding exon 1 of the CDK12 gene, results from a G to A substitution at nucleotide position 739. The aspartic acid at codon 247 is replaced by asparagine, an amino acid with highly similar properties. This amino acid position is conserved. In addition, this alteration is predicted to be tolerated by in silico analysis. Based on the available evidence, the clinical significance of this variant remains unclear.